The following is an entry in ClinVar:

ClinVar aggregate classification (germline): Pathogenic (0 of 4 stars; one submission).

Conditions:
Cowden syndrome 1 (CWS1). Also called: PTEN-Related Cowden Syndrome. Identifiers: MedGen CN072330, MONDO:0008021, OMIM 158350. Disease mechanism: gain of function.

Submission:

Cancer Genomic Medicine Translational Research Lab, Cleveland Clinic Genomic Medicine Institute
Classification: Pathogenic for Cowden syndrome 1. Last evaluated: 2016-08-24. Review status: no assertion criteria provided. Collection method: research. Allele origin: germline. Inheritance: Autosomal dominant inheritance. Affected: yes. Observed: 1 variant allele, 1 heterozygote. Study: CS-LDD.
Comment: - Mutation has not been reported in 1000G, NHLBI-ESP, and ExAC databases - Mutation occurs in a highly conserved amino acid residue - Predicted as damaging according to multiple computational algorithms (SIFT, PolyPhen-2, MutationTaster, MutPred, Condel, and Project HOPE) - Functional data supportive of a gain-of-function effect

NM_005228.5(EGFR):c.977G>T (p.Cys326Phe)

Gene: EGFR (epidermal growth factor receptor; plus strand). Cytogenetic location: 7p11.2.
Variant type: single nucleotide variant.
Coding change: c.977G>T on transcript NM_005228.5 (MANE Select); coding-DNA position 977, G replaced by T.
Protein change: p.Cys326Phe; replaces cysteine 326 with phenylalanine.
Molecular consequence: missense variant.
Genome position (GRCh38, 1-based): chr7:55,155,917, G>T. VCF-style: chr7-55155917-G-T. GRCh37 (hg19) VCF-style: chr7-55223610-G-T.
Other names: c.842G>T, p.Cys281Phe (NM_001346899.2, NM_001346897.2); c.818G>T, p.Cys273Phe (NM_001346900.2); c.176G>T, p.Cys59Phe (NM_001346941.2); c.977G>T, p.Cys326Phe (NM_201282.2, NM_201283.2, NM_201284.2 and 1 more transcripts); short protein forms C326F, C59F, C273F, C281F.
Identifiers: ClinVar variation 254143 (VCV000254143.3), dbSNP rs886037891, ClinGen allele CA10586342.